The following is an entry in ClinVar:

NM_004563.4(PCK2):c.1530C>G (p.His510Gln)

Genes: NRL (neural retina leucine zipper; minus strand), PCK2 (phosphoenolpyruvate carboxykinase 2, mitochondrial; plus strand). Cytogenetic location: 14q12.
Variant type: single nucleotide variant.
Coding change: c.1530C>G on transcript NM_004563.4 (MANE Select); coding-DNA position 1530, C replaced by G.
Protein change: p.His510Gln; replaces histidine 510 with glutamine.
Molecular consequence: missense variant. On other transcripts: intron variant (3).
Genome position (GRCh38, 1-based): chr14:24,103,571, C>G. VCF-style: chr14-24103571-C-G. GRCh37 (hg19) VCF-style: chr14-24572780-C-G.
Other names: c.1128C>G, p.His376Gln (NM_001291556.2, NM_001308054.2); c.-28+11151G>C (NM_001354768.3, NM_001354770.2); c.-254+11151G>C (NM_006177.5); short protein forms H510Q, H376Q.
Identifiers: ClinVar variation 2716656 (VCV002716656.3), dbSNP rs113162916, ClinGen allele CA7123557.
Genomic context (GRCh38, chr14:24,103,571, plus strand): 5'-GAAGATCATCATGCACGACCCATTTGCCATGCGGCCCTTTTTTGGCTACAACTTCGGGCA[C>G]TACCTGGAACACTGGCTGAGCATGGAAGGGCGCAAGGGGGCCCAGCTGCCCCGTATCTTC-3'
Protein context (NP_004554.3, residues 500-520): MRPFFGYNFG[His510Gln]YLEHWLSMEG

ClinVar aggregate classification (germline): Uncertain significance (1 of 4 stars; one submission).

Allele frequency attached by ClinVar (database versions not stated): TOPMed 0.00001; gnomAD 0.00003; 1000 Genomes Project 30x 0.00031; 1000 Genomes Project 0.00040.
gnomAD v4.1: 24 of 1,589,638 alleles (0.0015%); highest among the groups gnomAD compares: African/African-American, 0.019%; no homozygotes.

Submission:

Labcorp Genetics (formerly Invitae), Labcorp
Classification: Uncertain significance. Last evaluated: 2024-03-26. Review status: criteria provided, single submitter. Criteria: Invitae Variant Classification Sherloc (09022015). Collection method: clinical testing. Allele origin: germline.
Comment: This sequence change replaces histidine, which is basic and polar, with glutamine, which is neutral and polar, at codon 510 of the PCK2 protein (p.His510Gln). This variant is present in population databases (rs113162916, gnomAD 0.007%). This variant has not been reported in the literature in individuals affected with PCK2-related conditions. Advanced modeling of protein sequence and biophysical properties (such as structural, functional, and spatial information, amino acid conservation, physicochemical variation, residue mobility, and thermodynamic stability) performed at Invitae indicates that this missense variant is not expected to disrupt PCK2 protein function with a negative predictive value of 80%. In summary, the available evidence is currently insufficient to determine the role of this variant in disease. Therefore, it has been classified as a Variant of Uncertain Significance.